The following is an entry in ClinVar:

ClinVar aggregate classification (germline): Uncertain significance (1 of 4 stars; one submission).

Conditions:
Catecholaminergic polymorphic ventricular tachycardia 1. Also called: VENTRICULAR TACHYCARDIA, STRESS-INDUCED POLYMORPHIC 1; VENTRICULAR TACHYCARDIA, CATECHOLAMINERGIC POLYMORPHIC, 1, WITH OR WITHOUT ATRIAL DYSFUNCTION AND/OR DILATED CARDIOMYOPATHY; RYR2-Related Catecholaminergic Polymorphic Ventricular Tachycardia. Identifiers: Orphanet 3286, MedGen C1631597, MONDO:0011484, OMIM 604772.

Allele frequency attached by ClinVar (database versions not stated): TOPMed below 0.00001; gnomAD 0.00001.

Submission:

Labcorp Genetics (formerly Invitae), Labcorp
Classification: Uncertain significance for Catecholaminergic polymorphic ventricular tachycardia 1. Last evaluated: 2022-02-19. Review status: criteria provided, single submitter. Criteria: Invitae Variant Classification Sherloc (09022015). Collection method: clinical testing. Allele origin: germline.
Comment: In summary, the available evidence is currently insufficient to determine the role of this variant in disease. Therefore, it has been classified as a Variant of Uncertain Significance. Advanced modeling of protein sequence and biophysical properties (such as structural, functional, and spatial information, amino acid conservation, physicochemical variation, residue mobility, and thermodynamic stability) performed at Invitae indicates that this missense variant is expected to disrupt RYR2 protein function. This variant has not been reported in the literature in individuals affected with RYR2-related conditions. This variant is not present in population databases (gnomAD no frequency). This sequence change replaces glycine, which is neutral and non-polar, with alanine, which is neutral and non-polar, at codon 109 of the RYR2 protein (p.Gly109Ala).

NM_001035.3(RYR2):c.326G>C (p.Gly109Ala)

Gene: RYR2 (ryanodine receptor 2; plus strand). Cytogenetic location: 1q43.
Variant type: single nucleotide variant.
Coding change: c.326G>C on transcript NM_001035.3 (MANE Select); coding-DNA position 326, G replaced by C.
Protein change: p.Gly109Ala; replaces glycine 109 with alanine.
Molecular consequence: missense variant.
Genome position (GRCh38, 1-based): chr1:237,369,550, G>C. VCF-style: chr1-237369550-G-C. GRCh37 (hg19) VCF-style: chr1-237532850-G-C.
Other names: short protein forms G109A.
Identifiers: ClinVar variation 1399555 (VCV001399555.7), dbSNP rs1572014527, ClinGen allele CA345654945.